The following is an entry in ClinVar:

ClinVar aggregate classification (germline): Uncertain significance (1 of 4 stars; one submission).

Conditions:
Bardet-Biedl syndrome (BBS). Identifiers: Orphanet 110, MedGen C0752166, MONDO:0015229.

Submission:

Labcorp Genetics (formerly Invitae), Labcorp
Classification: Uncertain significance for Bardet-Biedl syndrome. Last evaluated: 2021-05-28. Review status: criteria provided, single submitter. Criteria: Invitae Variant Classification Sherloc (09022015). Collection method: clinical testing. Allele origin: germline.
Comment: This variant is not present in population databases (ExAC no frequency). This variant has not been reported in the literature in individuals with WDPCP-related conditions. Algorithms developed to predict the effect of missense changes on protein structure and function (SIFT, PolyPhen-2, Align-GVGD) all suggest that this variant is likely to be disruptive, but these predictions have not been confirmed by published functional studies and their clinical significance is uncertain. In summary, the available evidence is currently insufficient to determine the role of this variant in disease. Therefore, it has been classified as a Variant of Uncertain Significance. This sequence change replaces phenylalanine with cysteine at codon 551 of the WDPCP protein (p.Phe551Cys). The phenylalanine residue is highly conserved and there is a large physicochemical difference between phenylalanine and cysteine.

NM_015910.7(WDPCP):c.1652T>G (p.Phe551Cys)

Gene: WDPCP (WD repeat containing planar cell polarity effector; minus strand). Cytogenetic location: 2p15.
Variant type: single nucleotide variant.
Coding change: c.1652T>G on transcript NM_015910.7 (MANE Select); coding-DNA position 1652, T replaced by G.
Protein change: p.Phe551Cys; replaces phenylalanine 551 with cysteine.
Molecular consequence: missense variant. On other transcripts: non-coding transcript variant (3).
Genome position (GRCh38, 1-based): chr2:63,378,482, A>C on the plus strand (T>G on the coding strand, the complement: WDPCP is on the minus strand). VCF-style: chr2-63378482-A-C. GRCh37 (hg19) VCF-style: chr2-63605617-A-C.
Other names: c.1175T>G, p.Phe392Cys (NM_001042692.3); c.1580T>G, p.Phe527Cys (NM_001354044.2); c.1652T>G, p.Phe551Cys (NM_001354045.2); short protein forms F527C, F551C, F392C.
Identifiers: ClinVar variation 1478905 (VCV001478905.8), dbSNP rs1333720503, ClinGen allele CA347063025.